The following continues an entry in ClinVar:

NM_001042492.3(NF1):c.5812+332A>G

Gene: NF1. ClinVar aggregate classification (germline): Pathogenic/Likely pathogenic. Pathogenic (15); Likely pathogenic (2). ClinVar aggregate classification (oncogenicity): Likely oncogenic.

Submissions 10 to 18 of 18:

Institute of Medical Genetics and Applied Genomics, University Hospital Tübingen
Classification: Pathogenic for Neurofibroma. Last evaluated: 2024-04-24. Review status: criteria provided, single submitter. Criteria: ACMG Guidelines, 2015. Collection method: clinical testing. Allele origin: germline. Inheritance: Autosomal dominant inheritance. Affected: yes.

Blueprint Genetics
Classification: Pathogenic for NF1-related disorders. Last evaluated: 2024-02-02. Review status: criteria provided, single submitter. Criteria: ACMG Guidelines, 2015. Collection method: clinical testing. Allele origin: germline. Affected: yes. Observed: 5 variant alleles.

GeneDx
Classification: Pathogenic. Last evaluated: 2023-04-11. Review status: criteria provided, single submitter. Criteria: GeneDx Variant Classification Process June 2021. Collection method: clinical testing. Allele origin: germline. Affected: yes.
Comment: Published functional studies demonstrate inclusion of intronic sequence which is predicted to lead to a premature termination codon and truncated protein (Perrin et al., 1996; Pros, et al., 2009; Evans et al., 2016; Douben et al., 2022); No data available from control populations to assess the frequency of this variant; Also known as IVS30+332A>G; This variant is associated with the following publications: (PMID: 18546366, 9180088, 32408052, 19823873, 8829638, 24506781, 19241459, 27322474, 17311297, 12807981, 22155606, 34308366, 34782607, 36251260, 35433111, 34945792)

Institute for Clinical Genetics, University Hospital TU Dresden, University Hospital TU Dresden
Classification: Pathogenic. Last evaluated: 2022-12-21. Review status: criteria provided, single submitter. Criteria: ACMG Guidelines, 2015. Collection method: clinical testing. Allele origin: germline.
Comment: PP3_STR, PS3_MOD, PS4_MOD, PM6_SUP, PM2_SUP

Genome-Nilou Lab
Classification: Pathogenic for Neurofibromatosis, type 1. Last evaluated: 2022-03-15. Review status: criteria provided, single submitter. Criteria: ACMG Guidelines, 2015. Collection method: clinical testing. Allele origin: germline. Affected: no.

Ambry Genetics
Classification: Pathogenic for Hereditary cancer-predisposing syndrome. Last evaluated: 2014-07-29. Review status: criteria provided, single submitter. Criteria: Ambry Autosomal Dominant and X-Linked criteria (10/2015). Collection method: clinical testing. Allele origin: germline. Observed: 1 variant allele.
Comment: <span data-redactor="verified" style="background-color: initial;">The c.5812+332A>G pathogenic mutation, located in intron 39 the NF1 gene, results from an A to G substitution 332 nucleotides after coding exon 39. This study also showed that the mutation resulted in aberrant splicing and truncated protein products (Perrin et al. Hum. Mutat. 1996; 7(2):172-5). In another study, this mutation was reported in three unrelated individuals with either a diagnosis or a clinical suspicion of NF1.This mutation was shown to cause the insertion of a cryptic, 177 nucleotide long exon, between coding exons 39 and 40, causing a translational frameshift with a predicted alternate stop codon (Pros et al. Hum. Mutat. 2008 Sep; 29(9):E173-93). In addition to the clinical data presented in the literature, since frameshifts are typically deleterious in nature, this alteration is interpreted as a disease-causing mutation (ACMG Recommendations for Standards for Interpretation and Reporting of Sequence Variations. Revision 2007. Genet Med. 2008;10:294). This mutation is also known as c.5749+332A>G in published literature.

Department of Pathology and Laboratory Medicine, Sinai Health System
Classification: Likely pathogenic for neurofibromatosis type 1. Review status: criteria provided, single submitter. Criteria: ACMG Guidelines, 2015. Collection method: clinical testing. Allele origin: germline.

Institute for Medical Genetics and Human Genetics, Charité - Universitätsmedizin Berlin
Classification: Pathogenic for Neurofibromatosis, type 1. Review status: criteria provided, single submitter. Criteria: ACMG Guidelines, 2015. Collection method: not provided. Allele origin: germline. Inheritance: Autosomal dominant inheritance. Affected: yes.

Laboratory of Functional Genomics, Research Centre for Medical Genetics
Classification: Likely pathogenic for Neurofibromatosis, type 1. Review status: criteria provided, single submitter. Criteria: ACMG Guidelines, 2015. Collection method: clinical testing. Allele origin: germline. Inheritance: Autosomal dominant inheritance. Affected: yes. Observed: 1 variant allele, 1 heterozygote.
Comment: This variant is present in the gnomAD database with frequency 0.000004241. The affected genomic position is highly conserved across species. SpliceAI predicts the creation of donor splice site. RNA analysis demonstrated that the variant activates a cryptic donor splice site and results in pseudoexon inclusion through the use of three alternative acceptor splice sites, leading to a frameshift NP_000258.1:p.[Ser1917Lysfs*3;Ser1917_Val2818delinsAsnLeuTrpTyrProValThrGluGlyThrLeuLysGluLeuPheGlyArgProHis;Ser1917IlefsTer5]. This variant was also previously reported in patients with NF1 (PMID 23913538). Based on the available evidence, the variant can be classified as likely pathogenic (PM2, PS3, PP4).

Literature cited by the submitters: PubMed 8829638 (cited by 3 submitters); PubMed 18546366 (cited by 5 submitters); PubMed 17576681 (cited by Labcorp Genetics (formerly Invitae), Labcorp); PubMed 9536098 (cited by Labcorp Genetics (formerly Invitae), Labcorp); PubMed 19241459 (cited by 3 submitters); PubMed 19823873 (cited by Ambry Genetics); PubMed 24506781 (cited by Ambry Genetics); PubMed 27322474 (cited by 4 submitters); PubMed 34782607 (cited by Division of Genetic & Genomic Pathology, Hong Kong Children's Hospital); PubMed 36251260 (cited by Division of Genetic & Genomic Pathology, Hong Kong Children's Hospital); PubMed 9180088 (cited by Dasa); PubMed 17311297 (cited by Dasa); PubMed 35433111 (cited by Dasa); PubMed 23913538 (cited by Laboratory of Functional Genomics, Research Centre for Medical Genetics).